The following is an entry in ClinVar:

ClinVar aggregate classification (germline): Conflicting classifications of pathogenicity. Review status: criteria provided, conflicting classifications (1 of 4 stars). 11 submissions from 11 submitters: Uncertain significance (2); Likely benign (6). 3 of the submissions do not count toward it. Last evaluated 2026-01-31.

Conditions:
Sitosterolemia 1. Identifiers: MedGen C2749759, MONDO:0020747, OMIM 210250.
Cardiovascular phenotype. Identifiers: MedGen CN230736.

Allele frequency attached by ClinVar (database versions not stated): ExAC 0.00068; gnomAD exomes 0.00072; ESP Exome Variant Server 0.00085; gnomAD 0.00091 and 0.00094; TOPMed 0.00095.
gnomAD v4.1: 2,253 of 1,614,036 alleles (0.14%); highest among the groups gnomAD compares: Non-Finnish European, 0.18%; 2 homozygotes.

Submissions (11):

Labcorp Genetics (formerly Invitae), Labcorp
Classification: Likely benign. Last evaluated: 2026-01-31. Review status: criteria provided, single submitter. Criteria: Invitae Variant Classification Sherloc (09022015). Collection method: clinical testing. Allele origin: germline.

Mayo Clinic Laboratories, Mayo Clinic
Classification: Likely benign. Last evaluated: 2025-11-14. Review status: criteria provided, single submitter. Criteria: ACMG Guidelines, 2015. Collection method: clinical testing. Allele origin: germline. Observed: 9 variant alleles.
Comment: BP4, BP7

CeGaT Center for Human Genetics Tuebingen
Classification: Likely benign. Last evaluated: 2025-07-01. Review status: criteria provided, single submitter. Criteria: CeGaT Center For Human Genetics Tuebingen Variant Classification Criteria Version 2. Collection method: clinical testing. Allele origin: germline. Affected: yes. Observed: 3 variant alleles.
Comment: ABCG8: BP4, BP7

Blueprint Genetics
Classification: Likely benign. Last evaluated: 2024-11-14. Review status: criteria provided, single submitter. Criteria: ACMG Guidelines, 2015. Collection method: clinical testing. Allele origin: germline.

Women's Health and Genetics/Laboratory Corporation of America, LabCorp
Classification: Likely benign. Last evaluated: 2023-04-10. Review status: criteria provided, single submitter. Criteria: LabCorp Variant Classification Summary - May 2015. Collection method: clinical testing. Allele origin: germline.

Ambry Genetics
Classification: Likely benign for Cardiovascular phenotype. Last evaluated: 2021-07-06. Review status: criteria provided, single submitter. Criteria: Ambry Variant Classification Scheme 2023. Collection method: clinical testing. Allele origin: germline.

Eurofins Ntd Llc (ga)
Classification: Uncertain significance. Last evaluated: 2018-08-22. Review status: criteria provided, single submitter. Criteria: EGL ClinVar v180209 classification definitions. Collection method: clinical testing. Allele origin: germline. Observed: 9 variant alleles, 9 heterozygotes.

Illumina Laboratory Services, Illumina
Classification: Uncertain significance for Sitosterolemia 1. Last evaluated: 2018-01-12. Review status: criteria provided, single submitter. Criteria: ICSL Variant Classification Criteria 13 December 2019. Collection method: clinical testing. Allele origin: germline.

Clinical Genetics DNA and cytogenetics Diagnostics Lab, Erasmus MC, Erasmus Medical Center
Classification: Likely benign. Review status: no assertion criteria provided. Collection method: clinical testing. Allele origin: germline. Affected: yes. Study: VKGL Data-share Consensus. Not counted in ClinVar's aggregate classification.

Clinical Genetics, Academic Medical Center
Classification: Benign. Review status: no assertion criteria provided. Collection method: clinical testing. Allele origin: germline. Affected: yes. Study: VKGL Data-share Consensus. Not counted in ClinVar's aggregate classification.

Genome Diagnostics Laboratory, University Medical Center Utrecht
Classification: Likely benign. Review status: no assertion criteria provided. Collection method: clinical testing. Allele origin: germline. Affected: yes. Study: VKGL Data-share Consensus. Not counted in ClinVar's aggregate classification.

Literature cited by the submitters: PubMed 32088153 (cited by Mayo Clinic Laboratories, Mayo Clinic).

NM_022437.3(ABCG8):c.1941C>G (p.Val647=)

Gene: ABCG8 (ATP binding cassette subfamily G member 8; plus strand). Cytogenetic location: 2p21.
Variant type: single nucleotide variant.
Coding change: c.1941C>G on transcript NM_022437.3 (MANE Select); coding-DNA position 1941, C replaced by G.
Protein change: p.Val647=; no amino-acid change (valine 647 retained).
Molecular consequence: synonymous variant.
Genome position (GRCh38, 1-based): chr2:43,877,832, C>G. VCF-style: chr2-43877832-C-G. GRCh37 (hg19) VCF-style: chr2-44104971-C-G.
Other names: p.Val647=; c.1938C>G, p.Val646= (NM_001357321.2).
Identifiers: ClinVar variation 289084 (VCV000289084.43), dbSNP rs147991100, ClinGen allele CA1637728.